The following is an entry in ClinVar:

ClinVar aggregate classification (germline): Pathogenic (1 of 4 stars; one submission).

Conditions:
Renal cysts and diabetes syndrome (RCAD). Also called: Familial hypoplastic, glomerulocystic kidney; MATURITY-ONSET DIABETES OF THE YOUNG, TYPE 5. Identifiers: Orphanet 93111, MedGen C0431693, MONDO:0007669, OMIM 137920.

Submission:

Institute of Human Genetics, FAU Erlangen, Friedrich-Alexander-Universität Erlangen-Nürnberg
Classification: Pathogenic for Renal cysts and diabetes syndrome. Last evaluated: 2019-07-06. Review status: criteria provided, single submitter. Criteria: ACMG Guidelines, 2015. Collection method: literature only. Allele origin: germline. Affected: yes.
Comment: This variant and it's classification has been reported by Vasileiou et al. 2019; DOI:10.1101/576918. The variants has previously been reported in PMID:27297286 as "c.1206 + 1G > A IVS5 splicing" with clinical significance Pathogenic. It has been re-classified using InterVar and manual curation as Pathogenic based on PVS1 PM2 PP3.

Literature cited by the submitters: PubMed 27297286; DOI 10.1101/576918.

NM_000458.4(HNF1B):c.1206+1G>A

Gene: HNF1B (HNF1 homeobox B; minus strand). Cytogenetic location: 17q12.
Variant type: single nucleotide variant.
Coding change: c.1206+1G>A on transcript NM_000458.4 (MANE Select); the canonical splice donor site of the intron after coding-DNA position 1206, G replaced by A.
Molecular consequence: splice donor variant.
Genome position (GRCh38, 1-based): chr17:37,710,502, C>T on the plus strand (G>A on the coding strand, the complement: HNF1B is on the minus strand). VCF-style: chr17-37710502-C-T. GRCh37 (hg19) VCF-style: chr17-36070510-C-T.
Other names: c.1128+1G>A (NM_001304286.2, NM_001165923.4); c.1206+1G>A (NM_001411100.1).
Identifiers: ClinVar variation 635600 (VCV000635600.1), dbSNP rs2511723225, ClinGen allele CA398758963.